The following is an entry in ClinVar:

ClinVar aggregate classification (germline): Uncertain significance (1 of 4 stars; one submission).

Conditions:
Cardiomyopathy (CMYO). Also called: Cardiomyopathies. Identifiers: Orphanet 167848, MedGen C0878544, MONDO:0004994, HP:0001638. Inheritance: Various modes of inheritance.

Submission:

Color Diagnostics, LLC DBA Color Health
Classification: Uncertain significance for Cardiomyopathy. Last evaluated: 2023-12-04. Review status: criteria provided, single submitter. Criteria: ACMG Guidelines, 2015. Collection method: clinical testing. Allele origin: germline.
Comment: Variant of Uncertain Significance due to insufficient evidence: This missense variant is located in the cytoplasmic domain of the RYR2 protein. Computational prediction tools and conservation analyses are inconclusive regarding the impact of this variant on the protein function. Computational splicing tools suggest that this variant may not impact RNA splicing. To our knowledge, functional assays have not been performed for this variant nor has this variant been reported in individuals affected with cardiovascular disorders in the literature. This variant is rare in the general population and has been identified in 0/277264 chromosomes by the Genome Aggregation Database (gnomAD). Available evidence is insufficient to determine the pathogenicity of this variant conclusively.

NM_001035.3(RYR2):c.3449A>T (p.Glu1150Val)

Gene: RYR2 (ryanodine receptor 2; plus strand). Cytogenetic location: 1q43.
Variant type: single nucleotide variant.
Coding change: c.3449A>T on transcript NM_001035.3 (MANE Select); coding-DNA position 3449, A replaced by T.
Protein change: p.Glu1150Val; replaces glutamic acid 1150 with valine.
Molecular consequence: missense variant.
Genome position (GRCh38, 1-based): chr1:237,569,170, A>T. VCF-style: chr1-237569170-A-T. GRCh37 (hg19) VCF-style: chr1-237732470-A-T.
Other names: short protein forms E1150V.
Identifiers: ClinVar variation 923673 (VCV000923673.5), dbSNP rs754335935, ClinGen allele CA345389872.